The following is an entry in ClinVar:

NM_020117.11(LARS1):c.1812del (p.Phe603_Tyr604insTer)

Gene: LARS1 (leucyl-tRNA synthetase 1; minus strand). Cytogenetic location: 5q32.
Variant type: Deletion.
Coding change: c.1812del on transcript NM_020117.11 (MANE Select); coding-DNA position 1812, one base deleted (C; older notation c.1812delC).
Protein change: p.Phe603_Tyr604insTer.
Molecular consequence: nonsense.
Genome position (GRCh38, 1-based): chr5:146,143,477, G deleted on the plus strand (C on the coding strand, the reverse complement: LARS1 is on the minus strand). VCF-style (leftmost placement, unchanged base first): chr5-146143476-TG-T. GRCh37 (hg19) VCF-style: chr5-145523039-TG-T.
Other names: c.1674del, p.Phe557_Tyr558insTer (NM_001317964.2); c.1650del, p.Phe549_Tyr550insTer (NM_001317965.2); c.1731del, p.Phe576_Tyr577insTer (NM_016460.4); c.1812delC (NM_020117.11).
Identifiers: ClinVar variation 4688932 (VCV004688932.1), dbSNP rs752441753.

ClinVar aggregate classification (germline): Pathogenic (1 of 4 stars; one submission).

Conditions:
Acute infantile liver failure due to synthesis defect of mtDNA-encoded proteins. Also called: LIVER FAILURE, INFANTILE, TRANSIENT; Liver failure acute infantile; TRMU Deficiency. Identifiers: Orphanet 217371, MedGen C3278664, MONDO:0013111, OMIM 613070.

Allele frequency attached by ClinVar (database versions not stated): gnomAD exomes 0.00002; ExAC 0.00003.

Submission:

Women's Health and Genetics/Laboratory Corporation of America, LabCorp
Classification: Pathogenic for Acute infantile liver failure due to synthesis defect of mtDNA-encoded proteins. Last evaluated: 2025-12-30. Review status: criteria provided, single submitter. Criteria: LabCorp Variant Classification Summary - May 2015. Collection method: clinical testing. Allele origin: germline.
Comment: Variant summary: LARS1 c.1812delC (p.Tyr604X) results in a premature termination codon, predicted to cause absence of the protein due to nonsense mediated decay, which is a commonly known mechanism for disease. The variant allele was found at a frequency of 1.6e-05 in 251372 control chromosomes (gnomAD). To our knowledge, no occurrence of c.1812delC in individuals affected with LARS1-related conditions and no experimental evidence demonstrating its impact on protein function have been reported. No submitters have cited clinical-significance assessments for this variant to ClinVar. Based on the evidence outlined above, the variant was classified as pathogenic.